The following is an entry in ClinVar:

ClinVar aggregate classification (germline): Uncertain significance. Review status: criteria provided, multiple submitters, no conflicts (2 of 4 stars). 2 submissions from 2 submitters: Uncertain significance (2). Last evaluated 2023-09-22.

Conditions:
Inborn genetic diseases. Identifiers: MedGen C0950123, MeSH D030342.

Allele frequency attached by ClinVar (database versions not stated): gnomAD exomes 0.00002 and 0.00017; ExAC 0.00004; gnomAD 0.00006; TOPMed 0.00007; ESP Exome Variant Server 0.00031.
gnomAD v4.1: 244 of 1,605,668 alleles (0.015%); highest among the groups gnomAD compares: Non-Finnish European, 0.02%; no homozygotes.

Submissions (2):

Ambry Genetics
Classification: Uncertain significance for Inborn genetic diseases. Last evaluated: 2023-09-22. Review status: criteria provided, single submitter. Criteria: Ambry Variant Classification Scheme 2023. Collection method: clinical testing. Allele origin: germline.

Labcorp Genetics (formerly Invitae), Labcorp
Classification: Uncertain significance. Last evaluated: 2022-03-26. Review status: criteria provided, single submitter. Criteria: Invitae Variant Classification Sherloc (09022015). Collection method: clinical testing. Allele origin: germline.
Comment: This sequence change replaces phenylalanine, which is neutral and non-polar, with valine, which is neutral and non-polar, at codon 2 of the SFRP4 protein (p.Phe2Val). This variant is present in population databases (rs143943716, gnomAD 0.006%). This variant has not been reported in the literature in individuals affected with SFRP4-related conditions. Algorithms developed to predict the effect of missense changes on protein structure and function output the following: SIFT: "Tolerated"; PolyPhen-2: "Benign"; Align-GVGD: "Class C0". The valine amino acid residue is found in multiple mammalian species, which suggests that this missense change does not adversely affect protein function. In summary, the available evidence is currently insufficient to determine the role of this variant in disease. Therefore, it has been classified as a Variant of Uncertain Significance.

NM_003014.4(SFRP4):c.4T>G (p.Phe2Val)

Gene: SFRP4 (secreted frizzled related protein 4; minus strand). Cytogenetic location: 7p14.1.
Variant type: single nucleotide variant.
Coding change: c.4T>G on transcript NM_003014.4 (MANE Select); coding-DNA position 4, T replaced by G.
Protein change: p.Phe2Val; replaces phenylalanine 2 with valine.
Molecular consequence: missense variant.
Genome position (GRCh38, 1-based): chr7:37,916,534, A>C on the plus strand (T>G on the coding strand, the complement: SFRP4 is on the minus strand). VCF-style: chr7-37916534-A-C. GRCh37 (hg19) VCF-style: chr7-37956136-A-C.
Other names: c.4T>G (NM_003014.3); short protein forms F2V.
Identifiers: ClinVar variation 1356796 (VCV001356796.6), dbSNP rs143943716, ClinGen allele CA4222988.